The following is an entry in ClinVar:

ClinVar aggregate classification (germline): Uncertain significance (1 of 4 stars; one submission).

Allele frequency attached by ClinVar (database versions not stated): gnomAD exomes below 0.00001 and 0.00001; ExAC 0.00001; gnomAD 0.00008 and 0.00009; ESP Exome Variant Server 0.00009; TOPMed 0.00009.
gnomAD v4.1: 13 of 1,209,613 alleles (0.0011%); highest among the groups gnomAD compares: African/African-American, 0.023%; no homozygotes.

Submission:

Labcorp Genetics (formerly Invitae), Labcorp
Classification: Uncertain significance. Last evaluated: 2023-04-10. Review status: criteria provided, single submitter. Criteria: Invitae Variant Classification Sherloc (09022015). Collection method: clinical testing. Allele origin: germline.
Comment: This variant has not been reported in the literature in individuals affected with FRMD7-related conditions. This variant is present in population databases (rs372458379, gnomAD 0.01%). This sequence change disrupts the translational stop signal of the FRMD7 mRNA. It is expected to extend the length of the FRMD7 protein by 24 additional amino acid residues. ClinVar contains an entry for this variant (Variation ID: 1008913). In summary, the available evidence is currently insufficient to determine the role of this variant in disease. Therefore, it has been classified as a Variant of Uncertain Significance. Experimental studies and prediction algorithms are not available or were not evaluated, and the functional significance of this variant is currently unknown.

NM_194277.3(FRMD7):c.2145A>T (p.Ter715Tyr)

Gene: FRMD7 (FERM domain containing 7; minus strand). Cytogenetic location: Xq26.2.
Variant type: single nucleotide variant.
Coding change: c.2145A>T on transcript NM_194277.3 (MANE Select); coding-DNA position 2145, A replaced by T.
Protein change: p.Ter715Tyr.
Molecular consequence: stop lost.
Genome position (GRCh38, 1-based): chrX:132,077,872, T>A on the plus strand (A>T on the coding strand, the complement: FRMD7 is on the minus strand). VCF-style: chrX-132077872-T-A. GRCh37 (hg19) VCF-style: chrX-131211900-T-A.
Other names: c.2100A>T, p.Ter700Tyr (NM_001306193.2).
Identifiers: ClinVar variation 1008913 (VCV001008913.6), dbSNP rs372458379, ClinGen allele CA10518776.